The following is an entry in ClinVar:

ClinVar aggregate classification (germline): Uncertain significance (1 of 4 stars; one submission).

Conditions:
Emery-Dreifuss muscular dystrophy (EDMD). Also called: Scapuloperoneal syndrome, X-linked (formerly); Humeroperoneal neuromuscular disease, (formerly). Identifiers: Orphanet 261, MedGen C0410189, MONDO:0016830.

gnomAD v4.1: 1 of 1,591,984 alleles (0.000063%); highest among the groups gnomAD compares: Non-Finnish European, 0.000086%; no homozygotes.

Submission:

Labcorp Genetics (formerly Invitae), Labcorp
Classification: Uncertain significance for Emery-Dreifuss muscular dystrophy. Last evaluated: 2022-06-20. Review status: criteria provided, single submitter. Criteria: Invitae Variant Classification Sherloc (09022015). Collection method: clinical testing. Allele origin: germline.
Comment: In summary, the available evidence is currently insufficient to determine the role of this variant in disease. Therefore, it has been classified as a Variant of Uncertain Significance. Algorithms developed to predict the effect of missense changes on protein structure and function (SIFT, PolyPhen-2, Align-GVGD) all suggest that this variant is likely to be tolerated. This sequence change replaces threonine, which is neutral and polar, with alanine, which is neutral and non-polar, at codon 474 of the SUN1 protein (p.Thr474Ala). This variant is not present in population databases (gnomAD no frequency). This variant has not been reported in the literature in individuals affected with SUN1-related conditions.

NM_001130965.3(SUN1):c.1420A>G (p.Thr474Ala)

Gene: SUN1 (Sad1 and UNC84 domain containing 1; plus strand). Cytogenetic location: 7p22.3.
Variant type: single nucleotide variant.
Coding change: c.1420A>G on transcript NM_001130965.3 (MANE Select); coding-DNA position 1420, A replaced by G.
Protein change: p.Thr474Ala; replaces threonine 474 with alanine.
Molecular consequence: missense variant. On other transcripts: non-coding transcript variant (3).
Genome position (GRCh38, 1-based): chr7:857,853, A>G. VCF-style: chr7-857853-A-G. GRCh37 (hg19) VCF-style: chr7-897490-A-G.
Other names: c.1432A>G, p.Thr478Ala (NM_001367704.1, NM_001367702.1); c.1813A>G, p.Thr605Ala (NM_001367705.1, NM_001367703.1); c.1552A>G, p.Thr518Ala (NM_001367706.1, NM_001367673.1); c.853A>G, p.Thr285Ala (NM_001367708.1); c.1171A>G, p.Thr391Ala (NM_025154.6); c.1612A>G, p.Thr538Ala (NM_001367643.1); c.1351A>G, p.Thr451Ala (NM_001367644.1); c.1468A>G, p.Thr490Ala (NM_001367645.1, NM_001367681.1); and 43 more; short protein forms T236A, T285A, T371A, T423A, T428A, T451A, T461A, T478A.
Identifiers: ClinVar variation 1367628 (VCV001367628.6), dbSNP rs781596220, ClinGen allele CA366532927.